The following is an entry in ClinVar:

NM_206926.2(SELENON):c.301+946T>G

Gene: SELENON (selenoprotein N; plus strand). Cytogenetic location: 1p36.11.
Variant type: single nucleotide variant.
Coding change: c.301+946T>G on transcript NM_206926.2 (MANE Select); 946 bases into the intron after coding-DNA position 301, T replaced by G.
Molecular consequence: intron variant. On other transcripts: missense variant (1).
Genome position (GRCh38, 1-based): chr1:25,802,106, T>G. VCF-style: chr1-25802106-T-G. GRCh37 (hg19) VCF-style: chr1-26128597-T-G.
Other names: c.392T>G, p.Leu131Arg (NM_020451.3); short protein forms L131R.
Identifiers: ClinVar variation 957861 (VCV000957861.7), dbSNP rs774592112, ClinGen allele CA19693717.

ClinVar aggregate classification (germline): Uncertain significance (1 of 4 stars; one submission).

Conditions:
Eichsfeld type congenital muscular dystrophy (CMYO3). Also called: Rigid spine muscular dystrophy 1; MYOPATHY, SEPN1-RELATED; SELENON-related myopathy; Congenital myopathy 3 with rigid spine. Identifiers: MedGen C0410180, MONDO:0100100, OMIM 602771.

Allele frequency attached by ClinVar (database versions not stated): gnomAD exomes 0.00002; gnomAD 0.00003 and 0.00004; TOPMed 0.00005.

Submission:

Labcorp Genetics (formerly Invitae), Labcorp
Classification: Uncertain significance for Eichsfeld type congenital muscular dystrophy. Last evaluated: 2022-08-23. Review status: criteria provided, single submitter. Criteria: Invitae Variant Classification Sherloc (09022015). Collection method: clinical testing. Allele origin: germline.
Comment: This sequence change replaces leucine, which is neutral and non-polar, with arginine, which is basic and polar, at codon 131 of the SELENON protein (p.Leu131Arg). This variant is present in population databases (rs774592112, gnomAD 0.006%). This variant has not been reported in the literature in individuals affected with SELENON-related conditions. ClinVar contains an entry for this variant (Variation ID: 957861). Algorithms developed to predict the effect of missense changes on protein structure and function are either unavailable or do not agree on the potential impact of this missense change (SIFT: "Deleterious"; PolyPhen-2: "Benign"; Align-GVGD: "Class C0"). In summary, the available evidence is currently insufficient to determine the role of this variant in disease. Therefore, it has been classified as a Variant of Uncertain Significance.